The following is an entry in ClinVar:

ClinVar aggregate classification (germline): Benign/Likely benign. Review status: criteria provided, single submitter (1 of 4 stars). 2 submissions from 1 submitter: Benign (1); Likely benign (1). Last evaluated 2018-01-13.

Conditions:
Deficiency of steroid 11-beta-monooxygenase (CYP11B1). Also called: ADRENAL HYPERPLASIA, CONGENITAL, DUE TO STEROID 11-BETA-HYDROXYLASE DEFICIENCY; 11-BETA-HYDROXYLASE DEFICIENCY; ADRENAL HYPERPLASIA IV; P450C11B1 DEFICIENCY; STEROID 11-BETA-HYDROXYLASE DEFICIENCY; Congenital adrenal hyperplasia due to 11-beta-hydroxylase deficiency. Identifiers: Orphanet 90795, MedGen C0268292, MONDO:0008729, OMIM 202010. Disease mechanism: loss of function.
Glucocorticoid-remediable aldosteronism. Also called: Hyperaldosteronism, familial, type I; ACTH-DEPENDENT HYPERALDOSTERONISM SYNDROME; ALDOSTERONISM, SENSITIVE TO DEXAMETHASONE; FH I; GLUCOCORTICOID-SUPPRESSIBLE HYPERALDOSTERONISM. Identifiers: Orphanet 403, MedGen C3838731, MONDO:0007080, OMIM 103900.

Allele frequency attached by ClinVar (database versions not stated): 1000 Genomes Project 0.00739; gnomAD 0.00815 and 0.00878; 1000 Genomes Project 30x 0.00890; TOPMed 0.00902.

Submissions (2):

Illumina Laboratory Services, Illumina
Classification: Likely benign for Deficiency of steroid 11-beta-monooxygenase. Last evaluated: 2018-01-13. Review status: criteria provided, single submitter. Criteria: ICSL Variant Classification Criteria 13 December 2019. Collection method: clinical testing. Allele origin: germline.
Comment: This variant was observed in the ICSL laboratory as part of a predisposition screen in an ostensibly healthy population. It had not been previously curated by ICSL or reported in the Human Gene Mutation Database (HGMD: prior to June 1st, 2018), and was therefore a candidate for classification through an automated scoring system. Utilizing variant allele frequency, disease prevalence and penetrance estimates, and inheritance mode, an automated score was calculated to assess if this variant is too frequent to cause the disease. Based on the score and internal cut-off values, a variant classified as likely benign is not then subjected to further curation. The score for this variant resulted in a classification of likely benign for this disease.

Illumina Laboratory Services, Illumina
Classification: Benign for Glucocorticoid-remediable aldosteronism. Last evaluated: 2018-01-13. Review status: criteria provided, single submitter. Criteria: ICSL Variant Classification Criteria 13 December 2019. Collection method: clinical testing. Allele origin: germline.
Comment: This variant was observed in the ICSL laboratory as part of a predisposition screen in an ostensibly healthy population. It had not been previously curated by ICSL or reported in the Human Gene Mutation Database (HGMD: prior to June 1st, 2018), and was therefore a candidate for classification through an automated scoring system. Utilizing variant allele frequency, disease prevalence and penetrance estimates, and inheritance mode, an automated score was calculated to assess if this variant is too frequent to cause the disease. Based on the score and internal cut-off values, a variant classified as benign is not then subjected to further curation. The score for this variant resulted in a classification of benign for this disease.

NM_000497.4(CYP11B1):c.*1258G>A

Gene: CYP11B1 (cytochrome P450 family 11 subfamily B member 1; minus strand). Cytogenetic location: 8q24.3.
Variant type: single nucleotide variant.
Coding change: c.*1258G>A on transcript NM_000497.4 (MANE Select); 1258 bases downstream of the stop codon, G replaced by A.
Molecular consequence: 3 prime UTR variant.
Genome position (GRCh38, 1-based): chr8:142,873,115, C>T on the plus strand (G>A on the coding strand, the complement: CYP11B1 is on the minus strand). VCF-style: chr8-142873115-C-T. GRCh37 (hg19) VCF-style: chr8-143954531-C-T.
Other names: c.*1258G>A (NM_001026213.1).
Identifiers: ClinVar variation 362116 (VCV000362116.5), dbSNP rs61752808, ClinGen allele CA10624931.